The following is an entry in ClinVar:

ClinVar aggregate classification (germline): Uncertain significance (1 of 4 stars; one submission).

Allele frequency attached by ClinVar (database versions not stated): ExAC 0.00001; gnomAD exomes 0.00001; TOPMed 0.00005.
gnomAD v4.1: 11 of 1,613,262 alleles (0.00068%); highest among the groups gnomAD compares: African/African-American, 0.0013%; no homozygotes.

Submission:

ARUP Laboratories, Molecular Genetics and Genomics, ARUP Laboratories
Classification: Uncertain significance. Last evaluated: 2020-10-01. Review status: criteria provided, single submitter. Criteria: ARUP Molecular Germline Variant Investigation Process 2021. Collection method: clinical testing. Allele origin: germline.
Comment: The TTN c.12121G>A; p.Val4041Ile variant (rs761151353) is rare in the general population (<0.2% allele frequency in the Genome Aggregation Database) and has not been reported in the medical literature in association with dilated cardiomyopathy (DCM) or other TTN-related disease. The clinical relevance of rare missense variants in this gene, which are identified on average once per individual sequenced in affected populations (Herman 2012), is not well understood. Yet, evidence suggests that the vast majority of such missense variants do not contribute to the clinical outcome of DCM (Begay 2015). Thus, the clinical significance of the p.Val4041Ile variant cannot be determined with certainty. References: Begay RL et al. Role of Titin Missense Variants in Dilated Cardiomyopathy. J Am Heart Assoc. 2015 Nov 13;4(11). Herman DS et al. Truncations of titin causing dilated cardiomyopathy. N Engl J Med. 2012 Feb 16;366(7):619-28. Linke WA and Hamdani N. Gigantic business: titin properties and function through thick and thin. Circ Res 2014; 114(6): 1052-1068.

NM_133379.5(TTN):c.12121G>A (p.Val4041Ile)

Gene: TTN (titin; minus strand). Cytogenetic location: 2q31.2.
Variant type: single nucleotide variant.
Coding change: c.12121G>A on transcript NM_133379.5; coding-DNA position 12121, G replaced by A.
Protein change: p.Val4041Ile; replaces valine 4041 with isoleucine.
Molecular consequence: missense variant. On other transcripts: intron variant (6).
Genome position (GRCh38, 1-based): chr2:178,750,279, C>T on the plus strand (G>A on the coding strand, the complement: TTN is on the minus strand). VCF-style: chr2-178750279-C-T. GRCh37 (hg19) VCF-style: chr2-179615006-C-T.
Other names: c.10222+2845G>A (NM_003319.4); c.10798+2845G>A (NM_133437.4); c.10597+2845G>A (NM_133432.3); c.10360+2845G>A (NM_133378.4, NM_001256850.1); c.11311+2845G>A (NM_001267550.2); short protein forms V4041I.
Identifiers: ClinVar variation 1330834 (VCV001330834.7), dbSNP rs761151353, ClinGen allele CA2003611.